The following is an entry in ClinVar:

NM_152327.5(AK7):c.1198G>A (p.Asp400Asn)

Gene: AK7 (adenylate kinase 7; plus strand). Cytogenetic location: 14q32.2.
Variant type: single nucleotide variant.
Coding change: c.1198G>A on transcript NM_152327.5 (MANE Select); coding-DNA position 1198, G replaced by A.
Protein change: p.Asp400Asn; replaces aspartic acid 400 with asparagine.
Molecular consequence: missense variant.
Genome position (GRCh38, 1-based): chr14:96,456,446, G>A. VCF-style: chr14-96456446-G-A. GRCh37 (hg19) VCF-style: chr14-96922783-G-A.
Other names: c.1198G>A, p.Asp400Asn (NM_001350888.2, NM_001350890.2, NM_001350892.2); c.1120G>A, p.Asp374Asn (NM_001350891.2); short protein forms D374N, D400N.
Identifiers: ClinVar variation 1426405 (VCV001426405.6), dbSNP rs1212859548, ClinGen allele CA390915815.
Genomic context (GRCh38, chr14:96,456,446, plus strand): 5'-AAATCCAGTATTGCTAAAGAATTGGCCAACTACTACAAACTGCATCACATCCAACTGAAG[G>A]ATGTCATTTCTGAAGCCATAGCAAAACTGGTAACACTTTAAACTATTTTCCTGGGCATTT-3'
Protein context (NP_689540.2, residues 390-410): YYKLHHIQLK[Asp400Asn]VISEAIAKLE

ClinVar aggregate classification (germline): Uncertain significance (1 of 4 stars; one submission).

Allele frequency attached by ClinVar (database versions not stated): gnomAD exomes below 0.00001; gnomAD 0.00001.
gnomAD v4.1: 1 of 1,613,648 alleles (0.000062%); highest among the groups gnomAD compares: Non-Finnish European, 0.000085%; no homozygotes.

Submission:

Labcorp Genetics (formerly Invitae), Labcorp
Classification: Uncertain significance. Last evaluated: 2024-02-24. Review status: criteria provided, single submitter. Criteria: Invitae Variant Classification Sherloc (09022015). Collection method: clinical testing. Allele origin: germline.
Comment: This sequence change replaces aspartic acid, which is acidic and polar, with asparagine, which is neutral and polar, at codon 400 of the AK7 protein (p.Asp400Asn). This variant is present in population databases (no rsID available, gnomAD 0.0009%). This variant has not been reported in the literature in individuals affected with AK7-related conditions. ClinVar contains an entry for this variant (Variation ID: 1426405). Advanced modeling of protein sequence and biophysical properties (such as structural, functional, and spatial information, amino acid conservation, physicochemical variation, residue mobility, and thermodynamic stability) performed at Invitae indicates that this missense variant is not expected to disrupt AK7 protein function with a negative predictive value of 80%. In summary, the available evidence is currently insufficient to determine the role of this variant in disease. Therefore, it has been classified as a Variant of Uncertain Significance.